The following is an entry in ClinVar:

NC_000006.11:g.(?_72974678)_(72975206_?)del

Gene: RIMS1 (regulating synaptic membrane exocytosis 1; plus strand). Cytogenetic location: 6q13.
Variant type: Deletion.
Identifiers: ClinVar variation 1047436 (VCV001047436.6).

ClinVar aggregate classification (germline): Uncertain significance (1 of 4 stars; one submission).

Submission:

Labcorp Genetics (formerly Invitae), Labcorp
Classification: Uncertain significance. Last evaluated: 2022-02-24. Review status: criteria provided, single submitter. Criteria: Invitae Variant Classification Sherloc (09022015). Collection method: clinical testing. Allele origin: germline.
Comment: In summary, the available evidence is currently insufficient to determine the role of this variant in disease. Therefore, it has been classified as a Variant of Uncertain Significance. Experimental studies and prediction algorithms are not available or were not evaluated, and the functional significance of this variant is currently unknown. This variant has not been reported in the literature in individuals affected with RIMS1-related conditions. This variant is a gross deletion of the genomic region encompassing exon(s) 20-21 of the RIMS1 gene. This variant would be expected to be in-frame, preserving the integrity of the reading frame.